The following is an entry in ClinVar:

NM_001130438.3(SPTAN1):c.5804G>A (p.Cys1935Tyr)

Gene: SPTAN1 (spectrin alpha, non-erythrocytic 1; plus strand). Cytogenetic location: 9q34.11.
Variant type: single nucleotide variant.
Coding change: c.5804G>A on transcript NM_001130438.3 (MANE Select); coding-DNA position 5804, G replaced by A.
Protein change: p.Cys1935Tyr; replaces cysteine 1935 with tyrosine.
Molecular consequence: missense variant.
Genome position (GRCh38, 1-based): chr9:128,621,228, G>A. VCF-style: chr9-128621228-G-A. GRCh37 (hg19) VCF-style: chr9-131383507-G-A.
Other names: c.5729G>A, p.Cys1910Tyr (NM_001195532.2); c.5804G>A, p.Cys1935Tyr (NM_001363759.2, NM_001375310.1, NM_001375311.2 and 1 more transcripts); c.5744G>A, p.Cys1915Tyr (NM_001363765.2, NM_001375314.2); c.5840G>A, p.Cys1947Tyr (NM_001375312.2, NM_001375318.1); c.5789G>A, p.Cys1930Tyr (NM_003127.4); short protein forms C1910Y, C1915Y, C1930Y, C1935Y, C1947Y.
Identifiers: ClinVar variation 1878662 (VCV001878662.1), dbSNP rs1252545530, ClinGen allele CA375080105.

ClinVar aggregate classification (germline): Uncertain significance (1 of 4 stars; one submission).

Conditions:
Developmental and epileptic encephalopathy, 5 (DEE5). Identifiers: Orphanet 3451, MedGen C3150731, MONDO:0013277, OMIM 613477.

Submission:

Neuberg Centre For Genomic Medicine, NCGM
Classification: Uncertain significance for Developmental and epileptic encephalopathy, 5. Review status: criteria provided, single submitter. Criteria: ACMG Guidelines, 2015. Collection method: clinical testing. Allele origin: germline. Affected: yes.
Comment: The missense variant p.C1935Y in SPTAN1 (NM_001130438.3) has not been reported previously as a pathogenic variant nor as a benign variant, to our knowledge. The p.C1935Y variant is novel (not in any individuals) in gnomAD Exomes and is novel (not in any individuals) in 1000 Genomes. There is a large physicochemical difference between cysteine and tyrosine, which is likely to impact secondary protein structure as these residues differ in polarity, charge, size and/or other properties. The p.C1935Y missense variant is predicted to be damaging by both SIFT and PolyPhen2. The cysteine residue at codon 1935 of SPTAN1 is conserved in all mammalian species. The nucleotide c.5804 in SPTAN1 is predicted conserved by GERP++ and PhyloP across 100 vertebrates. For these reasons, this variant has been classified as Uncertain Significance.